The following is an entry in ClinVar:

ClinVar aggregate classification (germline): Conflicting classifications of pathogenicity. Review status: criteria provided, conflicting classifications (1 of 4 stars). 2 submissions from 2 submitters: Uncertain significance (1); Likely benign (1). Last evaluated 2025-04-10.

Conditions:
Hereditary cancer-predisposing syndrome. Also called: Neoplastic Syndromes, Hereditary; Tumor predisposition; Hereditary Cancer Syndrome; Hereditary neoplastic syndrome. Identifiers: Orphanet 140162, MedGen C0027672, MeSH D009386, MONDO:0015356.
Gastrointestinal stromal tumor. Also called: Gastrointestinal stromal tumor, somatic; Gastrointestinal stroma tumor. Identifiers: Orphanet 44890, MedGen C0238198, MeSH D046152, MONDO:0011719, OMIM 606764, HP:0100723.

Allele frequency attached by ClinVar (database versions not stated): gnomAD exomes below 0.00001; ExAC 0.00001; gnomAD 0.00001; TOPMed 0.00001.
gnomAD v4.1: 4 of 1,614,016 alleles (0.00025%); highest among the groups gnomAD compares: African/African-American, 0.0027%; no homozygotes.

Submissions (2):

Ambry Genetics
Classification: Likely benign for Hereditary cancer-predisposing syndrome. Last evaluated: 2025-04-10. Review status: criteria provided, single submitter. Criteria: Ambry Variant Classification Scheme 2023. Collection method: clinical testing. Allele origin: germline.

Labcorp Genetics (formerly Invitae), Labcorp
Classification: Uncertain significance for Gastrointestinal stromal tumor. Last evaluated: 2024-06-08. Review status: criteria provided, single submitter. Criteria: Invitae Variant Classification Sherloc (09022015). Collection method: clinical testing. Allele origin: germline.
Comment: This sequence change replaces glutamic acid, which is acidic and polar, with lysine, which is basic and polar, at codon 53 of the KIT protein (p.Glu53Lys). This variant is present in population databases (rs780349712, gnomAD 0.0009%). This variant has not been reported in the literature in individuals affected with KIT-related conditions. ClinVar contains an entry for this variant (Variation ID: 834106). An algorithm developed to predict the effect of missense changes on protein structure and function (PolyPhen-2) suggests that this variant is likely to be tolerated. In summary, the available evidence is currently insufficient to determine the role of this variant in disease. Therefore, it has been classified as a Variant of Uncertain Significance.

NM_000222.3(KIT):c.157G>A (p.Glu53Lys)

Gene: KIT (KIT proto-oncogene, receptor tyrosine kinase; plus strand). Cytogenetic location: 4q12.
Variant type: single nucleotide variant.
Coding change: c.157G>A on transcript NM_000222.3 (MANE Select); coding-DNA position 157, G replaced by A.
Protein change: p.Glu53Lys; replaces glutamic acid 53 with lysine.
Molecular consequence: missense variant.
Genome position (GRCh38, 1-based): chr4:54,695,601, G>A. VCF-style: chr4-54695601-G-A. GRCh37 (hg19) VCF-style: chr4-55561767-G-A.
Other names: c.157G>A, p.Glu53Lys (NM_001093772.2, NM_001385284.1, NM_001385285.1 and 4 more transcripts); short protein forms E53K.
Identifiers: ClinVar variation 834106 (VCV000834106.9), dbSNP rs780349712, ClinGen allele CA2923177.